The following is an entry in ClinVar:

ClinVar aggregate classification (germline): Uncertain significance (1 of 4 stars; one submission).

Conditions:
Hereditary cancer-predisposing syndrome. Also called: Hereditary neoplastic syndrome; Neoplastic Syndromes, Hereditary; Tumor predisposition; Hereditary Cancer Syndrome. Identifiers: Orphanet 140162, MedGen C0027672, MeSH D009386, MONDO:0015356.

gnomAD v4.1: 2 of 1,614,160 alleles (0.00012%); highest among the groups gnomAD compares: Middle Eastern, 0.016%; no homozygotes.

Submission:

Ambry Genetics
Classification: Uncertain significance for Hereditary cancer-predisposing syndrome. Last evaluated: 2025-02-02. Review status: criteria provided, single submitter. Criteria: Ambry Variant Classification Scheme 2023. Collection method: clinical testing. Allele origin: germline.
Comment: The p.M606V variant (also known as c.1816A>G), located in coding exon 12 of the CTNNA1 gene, results from an A to G substitution at nucleotide position 1816. The methionine at codon 606 is replaced by valine, an amino acid with highly similar properties. This amino acid position is conserved. In addition, this alteration is predicted to be tolerated by in silico analysis. Based on the available evidence, the clinical significance of this variant remains unclear.

NM_001903.5(CTNNA1):c.1816A>G (p.Met606Val)

Gene: CTNNA1 (catenin alpha 1; plus strand). Cytogenetic location: 5q31.2.
Variant type: single nucleotide variant.
Coding change: c.1816A>G on transcript NM_001903.5 (MANE Select); coding-DNA position 1816, A replaced by G.
Protein change: p.Met606Val; replaces methionine 606 with valine.
Molecular consequence: missense variant.
Genome position (GRCh38, 1-based): chr5:138,925,324, A>G. VCF-style: chr5-138925324-A-G. GRCh37 (hg19) VCF-style: chr5-138261013-A-G.
Other names: c.1816A>G, p.Met606Val (NM_001290307.3, NM_001323982.2, NM_001323983.1 and 2 more transcripts); c.1507A>G, p.Met503Val (NM_001290309.3); c.1447A>G, p.Met483Val (NM_001290310.3); c.706A>G, p.Met236Val (NM_001290312.1, NM_001323987.1, NM_001323988.1 and 17 more transcripts); c.1723A>G, p.Met575Val (NM_001323986.2); c.367A>G, p.Met123Val (NM_001324006.1, NM_001324007.1, NM_001324008.1 and 2 more transcripts); c.613A>G, p.Met205Val (NM_001324011.1); c.463A>G, p.Met155Val (NM_001324012.1, NM_001324013.1); short protein forms M205V, M483V, M575V, M155V, M236V, M503V, M123V, M606V.
Identifiers: ClinVar variation 3837152 (VCV003837152.1).
Genomic context (GRCh38, chr5:138,925,324, plus strand): 5'-CGTTTTACTGAGCAAGTAGAAGCAGCCGTGGAAGCCCTCAGCTCGGACCCTGCCCAGCCC[A>G]TGGATGAGAATGAGTTTATCGATGCTTCCCGCCTGGTATATGATGGCATCCGGGACATCA-3'
Protein context (NP_001894.2, residues 596-616): EALSSDPAQP[Met606Val]DENEFIDASR